The following is an entry in ClinVar:

NM_005560.6(LAMA5):c.7433C>T (p.Ala2478Val)

Gene: LAMA5 (laminin subunit alpha 5; minus strand). Cytogenetic location: 20q13.33.
Variant type: single nucleotide variant.
Coding change: c.7433C>T on transcript NM_005560.6 (MANE Select); coding-DNA position 7433, C replaced by T.
Protein change: p.Ala2478Val; replaces alanine 2478 with valine.
Molecular consequence: missense variant.
Genome position (GRCh38, 1-based): chr20:62,317,423, G>A on the plus strand (C>T on the coding strand, the complement: LAMA5 is on the minus strand). VCF-style: chr20-62317423-G-A. GRCh37 (hg19) VCF-style: chr20-60892479-G-A.
Other names: c.7433C>T (NM_005560.3, NM_005560.4); short protein forms A2478V.
Identifiers: ClinVar variation 2200460 (VCV002200460.6), dbSNP rs144781761, ClinGen allele CA9941235.

ClinVar aggregate classification (germline): Conflicting classifications of pathogenicity. Review status: criteria provided, conflicting classifications (1 of 4 stars). 3 submissions from 3 submitters: Uncertain significance (1); Benign (1); Likely benign (1). Last evaluated 2025-11-24.

Conditions:
LAMA5-related disorder. Also called: LAMA5-related condition; LAMA5-Related Disorders.
Inborn genetic diseases. Identifiers: MedGen C0950123, MeSH D030342.

Allele frequency attached by ClinVar (database versions not stated): TOPMed 0.00010; gnomAD 0.00017; ESP Exome Variant Server 0.00031; gnomAD exomes 0.00034; ExAC 0.00057; 1000 Genomes Project 0.00120; 1000 Genomes Project 30x 0.00125.
gnomAD v4.1: 509 of 1,606,164 alleles (0.032%); highest among the groups gnomAD compares: South Asian, 0.35%; 6 homozygotes.

Submissions (3):

Labcorp Genetics (formerly Invitae), Labcorp
Classification: Benign. Last evaluated: 2025-11-24. Review status: criteria provided, single submitter. Criteria: Invitae Variant Classification Sherloc (09022015). Collection method: clinical testing. Allele origin: germline.

PreventionGenetics, part of Exact Sciences
Classification: Likely benign for LAMA5-related condition. Last evaluated: 2025-09-23. Review status: criteria provided, single submitter. Criteria: ACMG Guidelines, 2015. Collection method: clinical testing. Allele origin: germline.
Comment: This variant is classified as likely benign based on ACMG/AMP sequence variant interpretation guidelines (Richards et al. 2015 PMID: 25741868, with internal and published modifications).

Ambry Genetics
Classification: Uncertain significance for Inborn genetic diseases. Last evaluated: 2024-03-15. Review status: criteria provided, single submitter. Criteria: Ambry Variant Classification Scheme 2023. Collection method: clinical testing. Allele origin: germline.